The following is an entry in ClinVar:

ClinVar aggregate classification (germline): Benign/Likely benign. Review status: criteria provided, multiple submitters, no conflicts (2 of 4 stars). 9 submissions from 9 submitters: Benign (6); Likely benign (2). 1 of the submissions does not count toward it. Last evaluated 2026-01-21.

Conditions:
Spastic paraplegia. Identifiers: MedGen C0037772, HP:0001258.
Hereditary spastic paraplegia 33. Also called: SPASTIC PARAPLEGIA 33, AUTOSOMAL DOMINANT. Identifiers: MedGen C1853251, MONDO:0012448, OMIM 610244.

Allele frequency attached by ClinVar (database versions not stated): 1000 Genomes Project 30x 0.00219; 1000 Genomes Project 0.00240; TOPMed 0.00358; gnomAD 0.00385 and 0.00388; ESP Exome Variant Server 0.00507.
gnomAD v4.1: 8,711 of 1,614,172 alleles (0.54%); highest among the groups gnomAD compares: Non-Finnish European, 0.66%; 30 homozygotes.

Submissions (9):

Labcorp Genetics (formerly Invitae), Labcorp
Classification: Benign for Spastic paraplegia. Last evaluated: 2026-01-21. Review status: criteria provided, single submitter. Criteria: Invitae Variant Classification Sherloc (09022015). Collection method: clinical testing. Allele origin: germline.

CeGaT Center for Human Genetics Tuebingen
Classification: Benign. Last evaluated: 2022-08-01. Review status: criteria provided, single submitter. Criteria: CeGaT Center For Human Genetics Tuebingen Variant Classification Criteria Version 2. Collection method: clinical testing. Allele origin: germline. Affected: yes. Observed: 1 variant allele.
Comment: ZFYVE27: BP4, BS1, BS2

Genome-Nilou Lab
Classification: Benign for Hereditary spastic paraplegia 33. Last evaluated: 2021-12-05. Review status: criteria provided, single submitter. Criteria: ACMG Guidelines, 2015. Collection method: clinical testing. Allele origin: germline. Affected: no.

Illumina Laboratory Services, Illumina
Classification: Benign for Hereditary spastic paraplegia 33. Last evaluated: 2018-01-13. Review status: criteria provided, single submitter. Criteria: ICSL Variant Classification Criteria 13 December 2019. Collection method: clinical testing. Allele origin: germline.
Comment: This variant was observed in the ICSL laboratory as part of a predisposition screen in an ostensibly healthy population. It had not been previously curated by ICSL or reported in the Human Gene Mutation Database (HGMD: prior to June 1st, 2018), and was therefore a candidate for classification through an automated scoring system. Utilizing variant allele frequency, disease prevalence and penetrance estimates, and inheritance mode, an automated score was calculated to assess if this variant is too frequent to cause the disease. Based on the score and internal cut-off values, a variant classified as benign is not then subjected to further curation. The score for this variant resulted in a classification of benign for this disease.

Genome Diagnostics Laboratory, University Medical Center Utrecht
Classification: Likely benign for Hereditary spastic paraplegia 33. Last evaluated: 2017-07-28. Review status: criteria provided, single submitter. Criteria: ACGS Guidelines, 2013. Collection method: clinical testing. Allele origin: germline. Affected: yes. Study: VKGL Data-share Consensus.

Eurofins Ntd Llc (ga)
Classification: Benign. Last evaluated: 2017-06-12. Review status: criteria provided, single submitter. Criteria: EGL Classification Definitions 2015. Collection method: clinical testing. Allele origin: germline. Observed: 1 variant allele, 1 heterozygote.

Mayo Clinic Laboratories, Mayo Clinic
Classification: Benign. Last evaluated: 2016-04-21. Review status: criteria provided, single submitter. Criteria: ACMG Guidelines, 2015. Collection method: clinical testing. Allele origin: germline. Observed: 5 variant alleles.

Clinical Genetics DNA and cytogenetics Diagnostics Lab, Erasmus MC, Erasmus Medical Center
Classification: Likely benign for Hereditary spastic paraplegia 33. Last evaluated: 2016-04-20. Review status: criteria provided, single submitter. Criteria: ACGS Guidelines, 2013. Collection method: clinical testing. Allele origin: germline. Affected: yes. Study: VKGL Data-share Consensus.

Laboratory of Diagnostic Genome Analysis, Leiden University Medical Center (LUMC)
Classification: Benign. Review status: no assertion criteria provided. Collection method: clinical testing. Allele origin: germline. Affected: yes. Study: VKGL Data-share Consensus. Not counted in ClinVar's aggregate classification.

NM_001385875.1(ZFYVE27):c.62C>T (p.Ala21Val)

Gene: ZFYVE27 (zinc finger FYVE-type containing 27; plus strand). Cytogenetic location: 10q24.2.
Variant type: single nucleotide variant.
Coding change: c.62C>T on transcript NM_001385875.1 (MANE Select); coding-DNA position 62, C replaced by T.
Protein change: p.Ala21Val; replaces alanine 21 with valine.
Molecular consequence: missense variant. On other transcripts: 5 prime UTR variant (13), non-coding transcript variant (17), intron variant (5).
Genome position (GRCh38, 1-based): chr10:97,738,539, C>T. VCF-style: chr10-97738539-C-T. GRCh37 (hg19) VCF-style: chr10-99498296-C-T.
Other names: p.Ala21Val; c.62C>T, p.Ala21Val (NM_001002261.4, NM_001002262.4, NM_001174119.2 and 24 more transcripts); c.-118C>T (NM_001385890.1, NM_001385893.1, NM_001385895.1 and 2 more transcripts); c.-105C>T (NM_001385899.1, NM_001385900.1, NM_001385903.1 and 4 more transcripts); c.-133C>T (NM_001385915.1); c.-8+1218C>T (NM_001385891.1, NM_001385894.1, NM_001385892.1 and 1 more transcripts); c.-27+1218C>T (NM_001174121.2); short protein forms A21V.
Identifiers: ClinVar variation 220394 (VCV000220394.52), dbSNP rs140812293, ClinGen allele CA348631.